The following is an entry in ClinVar:

ClinVar aggregate classification (germline): Uncertain significance (1 of 4 stars; one submission).

Conditions:
Carnitine palmitoyltransferase II deficiency. Also called: Carnitine Palmitoyltransferase 2 Deficiency. Identifiers: Orphanet 157, MedGen C0342790, MONDO:0015515.

Allele frequency attached by ClinVar (database versions not stated): gnomAD exomes below 0.00001; TOPMed below 0.00001; gnomAD 0.00001.

Submission:

Labcorp Genetics (formerly Invitae), Labcorp
Classification: Uncertain significance for Carnitine palmitoyltransferase II deficiency. Last evaluated: 2022-08-31. Review status: criteria provided, single submitter. Criteria: Invitae Variant Classification Sherloc (09022015). Collection method: clinical testing. Allele origin: germline.
Comment: This sequence change replaces proline, which is neutral and non-polar, with serine, which is neutral and polar, at codon 3 of the CPT2 protein (p.Pro3Ser). This variant is not present in population databases (gnomAD no frequency). This variant has not been reported in the literature in individuals affected with CPT2-related conditions. ClinVar contains an entry for this variant (Variation ID: 1389368). Advanced modeling of protein sequence and biophysical properties (such as structural, functional, and spatial information, amino acid conservation, physicochemical variation, residue mobility, and thermodynamic stability) performed at Invitae indicates that this missense variant is not expected to disrupt CPT2 protein function. In summary, the available evidence is currently insufficient to determine the role of this variant in disease. Therefore, it has been classified as a Variant of Uncertain Significance.

NM_000098.3(CPT2):c.7C>T (p.Pro3Ser)

Genes: CPT2 (carnitine palmitoyltransferase 2; plus strand), LOC129930561 (ATAC-STARR-seq lymphoblastoid silent region 902; plus strand). Cytogenetic location: 1p32.3.
Variant type: single nucleotide variant.
Coding change: c.7C>T on transcript NM_000098.3 (MANE Select); coding-DNA position 7, C replaced by T.
Protein change: p.Pro3Ser; replaces proline 3 with serine.
Molecular consequence: missense variant.
Genome position (GRCh38, 1-based): chr1:53,196,950, C>T. VCF-style: chr1-53196950-C-T. GRCh37 (hg19) VCF-style: chr1-53662622-C-T.
Other names: c.7C>T, p.Pro3Ser (NM_001330589.2); short protein forms P3S.
Identifiers: ClinVar variation 1389368 (VCV001389368.5), dbSNP rs1645324758, ClinGen allele CA340388561.